The following is an entry in ClinVar:

NM_004415.4(DSP):c.1232T>C (p.Leu411Pro)

Gene: DSP (desmoplakin; plus strand). Cytogenetic location: 6p24.3.
Variant type: single nucleotide variant.
Coding change: c.1232T>C on transcript NM_004415.4 (MANE Select); coding-DNA position 1232, T replaced by C.
Protein change: p.Leu411Pro; replaces leucine 411 with proline.
Molecular consequence: missense variant.
Genome position (GRCh38, 1-based): chr6:7,567,872, T>C. VCF-style: chr6-7567872-T-C. GRCh37 (hg19) VCF-style: chr6-7568105-T-C.
Other names: c.1232T>C, p.Leu411Pro (NM_001008844.3, NM_001319034.2, NM_001406591.1); short protein forms L411P.
Identifiers: ClinVar variation 1908730 (VCV001908730.11), dbSNP rs759316967, ClinGen allele CA027266.
Genomic context (GRCh38, chr6:7,567,872, plus strand): 5'-ACCTGAAGGGGCTCCAGGACTCCATCAGGAAGAAGTACCCCTGCGACAAGAACATGCCCC[T>C]GCAGCACCTGCTGGAACAGATCAAGGAGCTGGAGGTATCGTCTCAGACCCAGAACCTCAG-3'
Protein context (NP_004406.2, residues 401-421): KKYPCDKNMP[Leu411Pro]QHLLEQIKEL

ClinVar aggregate classification (germline): Conflicting classifications of pathogenicity. Review status: criteria provided, conflicting classifications (1 of 4 stars). 5 submissions from 5 submitters: Uncertain significance (4); Likely benign (1). Last evaluated 2026-07-29.

Conditions:
Cardiovascular phenotype. Identifiers: MedGen CN230736.
Arrhythmogenic cardiomyopathy with wooly hair and keratoderma. Also called: Arrhythmogenic cardiomyopathy with woolly hair and keratoderma; PALMOPLANTAR KERATODERMA WITH LEFT VENTRICULAR CARDIOMYOPATHY AND WOOLLY HAIR; Carvajal syndrome; Dilated cardiomyopathy with woolly hair and keratoderma. Identifiers: Orphanet 65282, MedGen C1854063, MONDO:0011581, OMIM 605676.
Arrhythmogenic right ventricular dysplasia 8 (ARVD8). Also called: Arrhythmogenic Right Ventricular Dysplasia/Cardiomyopathy 8; ARRHYTHMOGENIC RIGHT VENTRICULAR DYSPLASIA, FAMILIAL, 8; ARRHYTHMOGENIC RIGHT VENTRICULAR CARDIOMYOPATHY 8. Identifiers: MedGen C1843896, MONDO:0011831, OMIM 607450.
Cardiomyopathy (CMYO). Also called: Cardiomyopathies. Identifiers: Orphanet 167848, MedGen C0878544, MONDO:0004994, HP:0001638. Inheritance: Various modes of inheritance.

Allele frequency attached by ClinVar (database versions not stated): ExAC 0.00001; gnomAD exomes 0.00001.
gnomAD v4.1: 8 of 1,613,948 alleles (0.0005%); highest among the groups gnomAD compares: Admixed American, 0.005%; no homozygotes.

Submissions (5):

GeneDx
Classification: Uncertain significance. Last evaluated: 2026-07-29. Review status: criteria provided, single submitter. Criteria: GeneDx Variant Classification Process June 2021. Collection method: clinical testing. Allele origin: germline.
Comment: Not observed at significant frequency in large population cohorts (gnomAD); In silico analysis supports that this missense variant has a deleterious effect on protein structure/function; Has not been previously published as pathogenic or benign to our knowledge

Color Diagnostics, LLC DBA Color Health
Classification: Uncertain significance for Cardiomyopathy. Last evaluated: 2025-09-22. Review status: criteria provided, single submitter. Criteria: ACMG Guidelines, 2015. Collection method: clinical testing. Allele origin: germline.
Comment: This missense variant replaces leucine with proline at codon 411 of the DSP protein. Computational prediction suggests that this variant may have deleterious impact on protein structure and function. To our knowledge, functional studies have not been reported for this variant. This variant has not been reported in individuals affected with DSP-related disorders in the literature. This variant has been identified in 3/251118 chromosomes in the general population by the Genome Aggregation Database (gnomAD). The available evidence is insufficient to determine the role of this variant in disease conclusively. Therefore, this variant is classified as a Variant of Uncertain Significance.

All of Us Research Program, National Institutes of Health
Classification: Uncertain significance for Arrhythmogenic cardiomyopathy with wooly hair and keratoderma. Last evaluated: 2024-09-23. Review status: criteria provided, single submitter. Criteria: ACMG Guidelines, 2015. Collection method: clinical testing. Allele origin: germline. Inheritance: Autosomal dominant inheritance. Observed: 1 variant allele, 1 heterozygote.
Comment: This study involves interpretation of variants in research participants for the purpose of population health screening. Participant phenotype was not available at the time of variant classification. Additional details can be found in publication PMID: 35346344, PMCID: PMC8962531

Ambry Genetics
Classification: Uncertain significance for Cardiovascular phenotype. Last evaluated: 2024-07-27. Review status: criteria provided, single submitter. Criteria: Ambry Variant Classification Scheme 2023. Collection method: clinical testing. Allele origin: germline.

Labcorp Genetics (formerly Invitae), Labcorp
Classification: Likely benign for Arrhythmogenic cardiomyopathy with wooly hair and keratoderma; Arrhythmogenic right ventricular dysplasia 8. Last evaluated: 2023-08-28. Review status: criteria provided, single submitter. Criteria: Invitae Variant Classification Sherloc (09022015). Collection method: clinical testing. Allele origin: germline.